The following is an entry in ClinVar:

ClinVar aggregate classification (germline): Uncertain significance (1 of 4 stars; one submission).

Allele frequency attached by ClinVar (database versions not stated): gnomAD exomes below 0.00001; gnomAD 0.00001.
gnomAD v4.1: 4 of 1,613,556 alleles (0.00025%); highest among the groups gnomAD compares: African/African-American, 0.0027%; no homozygotes.

Submission:

Labcorp Genetics (formerly Invitae), Labcorp
Classification: Uncertain significance. Last evaluated: 2022-02-08. Review status: criteria provided, single submitter. Criteria: Invitae Variant Classification Sherloc (09022015). Collection method: clinical testing. Allele origin: germline.
Comment: In summary, the available evidence is currently insufficient to determine the role of this variant in disease. Therefore, it has been classified as a Variant of Uncertain Significance. Algorithms developed to predict the effect of missense changes on protein structure and function output the following: SIFT: "Tolerated"; PolyPhen-2: "Benign"; Align-GVGD: "Class C0". The glutamine amino acid residue is found in multiple mammalian species, which suggests that this missense change does not adversely affect protein function. This variant has not been reported in the literature in individuals affected with CFAP410-related conditions. This variant is present in population databases (no rsID available, gnomAD 0.002%). This sequence change replaces glutamic acid, which is acidic and polar, with glutamine, which is neutral and polar, at codon 148 of the CFAP410 protein (p.Glu148Gln).

NM_004928.3(CFAP410):c.442G>C (p.Glu148Gln)

Gene: CFAP410 (cilia and flagella associated protein 410; minus strand). Cytogenetic location: 21q22.3.
Variant type: single nucleotide variant.
Coding change: c.442G>C on transcript NM_004928.3 (MANE Select); coding-DNA position 442, G replaced by C.
Protein change: p.Glu148Gln; replaces glutamic acid 148 with glutamine.
Molecular consequence: missense variant.
Genome position (GRCh38, 1-based): chr21:44,331,946, C>G on the plus strand (G>C on the coding strand, the complement: CFAP410 is on the minus strand). VCF-style: chr21-44331946-C-G. GRCh37 (hg19) VCF-style: chr21-45751829-C-G.
Other names: c.442G>C, p.Glu148Gln (NM_001271440.2, NM_001271441.2); c.319G>C, p.Glu107Gln (NM_001271442.1); short protein forms E148Q, E107Q.
Identifiers: ClinVar variation 1451082 (VCV001451082.5), dbSNP rs759456714, ClinGen allele CA410454232.